The following is an entry in ClinVar:

ClinVar aggregate classification (germline): Likely pathogenic (1 of 4 stars; one submission).

Conditions:
Liddle syndrome 1 (LIDLS1). Also called: PSEUDOALDOSTERONISM. Identifiers: Orphanet 526, MedGen CN031472, MONDO:0020607, OMIM 177200.

Submission:

Cardiology Care Unit, Affiliated Hospital of Jining Medical University
Classification: Likely pathogenic for Liddle syndrome 1. Last evaluated: 2026-03-19. Review status: criteria provided, single submitter. Criteria: ACMG Guidelines, 2015. Collection method: provider interpretation. Allele origin: germline. Inheritance: Autosomal dominant inheritance. Affected: yes. Observed: 1 variant allele, 1 heterozygote.
Comment: The heterozygous SCNN1B variant NM_000336.3:c.1783_1784insT is predicted to result in a frameshift protein change, NP_000327.2:p.Ala595ValfsTer13, affecting the C-terminal regulatory region of the beta subunit of the epithelial sodium channel. Frameshift or truncating variants affecting the C-terminal region/PY motif of ENaC beta or gamma subunits have been reported as a molecular mechanism of Liddle syndrome. Based on the patient phenotype, segregation evidence, predicted frameshift effect, and the established disease mechanism of SCNN1B-related Liddle syndrome, this variant is classified as likely pathogenic.

NM_000336.3(SCNN1B):c.1783_1784insT (p.Ala595fs)

Gene: SCNN1B (sodium channel epithelial 1 subunit beta; plus strand). Cytogenetic location: 16p12.2.
Variant type: Insertion.
Coding change: c.1783_1784insT on transcript NM_000336.3 (MANE Select); coding-DNA positions 1783 to 1784, T inserted.
Protein change: p.Ala595fs; shifts the reading frame from alanine 595.
Molecular consequence: frameshift variant.
Genome position: GRCh38 VCF-style: chr16-23380661-G-GT. GRCh37 (hg19) VCF-style: chr16-23391982-G-GT.
Other names: NP_000327.2:p.Ala595ValfsTer13; c.1675_1676insT, p.Ala559fs (NM_001410900.1); short protein forms A559fs, A595fs.
Identifiers: ClinVar variation 4845410 (VCV004845410.1).